The following is an entry in ClinVar:

NM_007272.3(CTRC):c.197G>C (p.Ser66Thr)

Gene: CTRC (chymotrypsin C; plus strand). Cytogenetic location: 1p36.21.
Variant type: single nucleotide variant.
Coding change: c.197G>C on transcript NM_007272.3 (MANE Select); coding-DNA position 197, G replaced by C.
Protein change: p.Ser66Thr; replaces serine 66 with threonine.
Molecular consequence: missense variant.
Genome position (GRCh38, 1-based): chr1:15,440,557, G>C. VCF-style: chr1-15440557-G-C. GRCh37 (hg19) VCF-style: chr1-15767053-G-C.
Other names: short protein forms S66T.
Identifiers: ClinVar variation 4235801 (VCV004235801.1).

ClinVar aggregate classification (germline): Uncertain significance (1 of 4 stars; one submission).

Conditions:
Hereditary pancreatitis (PCTT). Also called: Hereditary chronic pancreatitis; PRSS1-Related Hereditary Pancreatitis. Identifiers: Orphanet 676, MedGen C0238339, MONDO:0008185, OMIM 167800.

Submission:

Ambry Genetics
Classification: Uncertain significance for Hereditary pancreatitis. Last evaluated: 2025-07-19. Review status: criteria provided, single submitter. Criteria: Ambry Variant Classification Scheme 2023. Collection method: clinical testing. Allele origin: germline.
Comment: The p.S66T variant (also known as c.197G>C), located in coding exon 3 of the CTRC gene, results from a G to C substitution at nucleotide position 197. The serine at codon 66 is replaced by threonine, an amino acid with similar properties. This amino acid position is conserved. In addition, this alteration is predicted to be tolerated by in silico analysis. Based on the available evidence, the clinical significance of this variant remains unclear.